The following is an entry in ClinVar:

ClinVar aggregate classification (germline): Likely benign (1 of 4 stars; one submission).

Conditions:
ASCL1-related disorder. Also called: ASCL1-related condition.

gnomAD v4.1: 1 of 1,470,862 alleles (0.000068%); highest among the groups gnomAD compares: South Asian, 0.0013%; no homozygotes.

Submission:

PreventionGenetics, part of Exact Sciences
Classification: Likely benign for ASCL1-related condition. Last evaluated: 2024-10-31. Review status: criteria provided, single submitter. Criteria: ACMG Guidelines, 2015. Collection method: clinical testing. Allele origin: germline.
Comment: This variant is classified as likely benign based on ACMG/AMP sequence variant interpretation guidelines (Richards et al. 2015 PMID: 25741868, with internal and published modifications).

NM_004316.4(ASCL1):c.138A>G (p.Ala46=)

Genes: ASCL1 (achaete-scute family bHLH transcription factor 1; plus strand), PAH (phenylalanine hydroxylase; minus strand). Cytogenetic location: 12q23.2.
Variant type: single nucleotide variant.
Coding change: c.138A>G on transcript NM_004316.4 (MANE Select); coding-DNA position 138, A replaced by G.
Protein change: p.Ala46=; no amino-acid change (alanine 46 retained).
Molecular consequence: synonymous variant. On other transcripts: 5 prime UTR variant (1).
Genome position (GRCh38, 1-based): chr12:102,958,382, A>G. VCF-style: chr12-102958382-A-G. GRCh37 (hg19) VCF-style: chr12-103352160-A-G.
Other names: c.-283T>C (NM_001354304.2).
Identifiers: ClinVar variation 4996848 (VCV004996848.1).